The following is an entry in ClinVar:

NM_001243279.3(ACSF3):c.1613+1G>A

Gene: ACSF3 (acyl-CoA synthetase family member 3; plus strand). Cytogenetic location: 16q24.3.
Variant type: single nucleotide variant.
Coding change: c.1613+1G>A on transcript NM_001243279.3 (MANE Select); the canonical splice donor site of the intron after coding-DNA position 1613, G replaced by A.
Molecular consequence: splice donor variant.
Genome position (GRCh38, 1-based): chr16:89,146,050, G>A. VCF-style: chr16-89146050-G-A. GRCh37 (hg19) VCF-style: chr16-89212458-G-A.
Other names: c.1613+1G>A (NM_001127214.4, NM_174917.5, NM_174917.4); c.818+1G>A (NM_001284316.2).
Identifiers: ClinVar variation 1404244 (VCV001404244.11), dbSNP rs770400253, ClinGen allele CA8238302.

ClinVar aggregate classification (germline): Pathogenic/Likely pathogenic. Review status: criteria provided, multiple submitters, no conflicts (2 of 4 stars). 3 submissions from 3 submitters: Pathogenic (1); Likely pathogenic (2). Last evaluated 2024-12-26.

Conditions:
Combined malonic and methylmalonic acidemia. Identifiers: Orphanet 289504, MedGen C3280314, MONDO:0013661, OMIM 614265.

Allele frequency attached by ClinVar (database versions not stated): gnomAD exomes below 0.00001; ExAC 0.00001; gnomAD 0.00001; TOPMed 0.00002.
gnomAD v4.1: 28 of 600,972 alleles (0.0047%); highest among the groups gnomAD compares: Non-Finnish European, 0.0086%; no homozygotes.

Submissions (3):

Natera, Inc.
Classification: Likely pathogenic for Combined malonic and methylmalonic aciduria. Last evaluated: 2024-12-26. Review status: criteria provided, single submitter. Criteria: Natera Variant Classification Schema (03/2026). Collection method: clinical testing. Allele origin: germline.
Comment: The c.1613+1G>A variant in ACSF3 is a canonical splice donor site variant predicted to affect pre-mRNA splicing, which may result in an abnormal transcript and altered protein product. This variant is expected to result in nonsense mediated decay, truncation, or a dysfunctional protein product. This variant is rare in the general population with a frequency below the threshold expected for the associated phenotype(s). Given the available evidence, this variant is classified as Likely Pathogenic.

Baylor Genetics
Classification: Likely pathogenic for Combined malonic and methylmalonic acidemia. Last evaluated: 2024-02-22. Review status: criteria provided, single submitter. Criteria: ACMG Guidelines, 2015. Collection method: clinical testing. Allele origin: unknown.

Labcorp Genetics (formerly Invitae), Labcorp
Classification: Pathogenic for Combined malonic and methylmalonic acidemia. Last evaluated: 2023-11-17. Review status: criteria provided, single submitter. Criteria: Invitae Variant Classification Sherloc (09022015). Collection method: clinical testing. Allele origin: germline.
Comment: This sequence change affects a donor splice site in intron 10 of the ACSF3 gene. While this variant is not anticipated to result in nonsense mediated decay, it likely alters RNA splicing and results in a disrupted protein product. This variant is present in population databases (rs770400253, gnomAD 0.0009%). This variant has not been reported in the literature in individuals affected with ACSF3-related conditions. ClinVar contains an entry for this variant (Variation ID: 1404244). Variants that disrupt the consensus splice site are a relatively common cause of aberrant splicing (PMID: 17576681, 9536098). Algorithms developed to predict the effect of sequence changes on RNA splicing suggest that this variant may disrupt the consensus splice site. This variant disrupts a region of the ACSF3 protein in which other variant(s) (p.Tyr544Leufs*22) have been determined to be pathogenic (PMID: 21841779, 26827111; Invitae). This suggests that this is a clinically significant region of the protein, and that variants that disrupt it are likely to be disease-causing. For these reasons, this variant has been classified as Pathogenic.

Literature cited by the submitters: PubMed 17576681 (cited by Labcorp Genetics (formerly Invitae), Labcorp); PubMed 9536098 (cited by Labcorp Genetics (formerly Invitae), Labcorp); PubMed 21841779 (cited by Labcorp Genetics (formerly Invitae), Labcorp); PubMed 26827111 (cited by Labcorp Genetics (formerly Invitae), Labcorp).